The following is an entry in ClinVar:

NC_000022.11:g.(?_29668333)_(29671948_?)del

Gene: NF2 (NF2, moesin-ezrin-radixin like (MERLIN) tumor suppressor; plus strand). Cytogenetic location: 22q12.2.
Variant type: Deletion.
Identifiers: ClinVar variation 417575 (VCV000417575.1).

ClinVar aggregate classification (germline): Likely pathogenic (1 of 4 stars; one submission).

Conditions:
Neurofibromatosis, type 2 (SWNV). Also called: SCHWANNOMATOSIS, VESTIBULAR; NF2-Related Schwannomatosis; BILATERAL ACOUSTIC NEUROFIBROMATOSIS. Identifiers: Orphanet 637, MedGen C0027832, MONDO:0007039, OMIM 101000. Disease mechanism: loss of function.

Submission:

Labcorp Genetics (formerly Invitae), Labcorp
Classification: Likely pathogenic for Neurofibromatosis, type 2. Last evaluated: 2016-04-22. Review status: criteria provided, single submitter. Criteria: Invitae Variant Classification Sherloc (09022015). Collection method: clinical testing. Allele origin: germline.
Comment: This variant is a gross deletion of the genomic region encompassing exons 10-11 of the NF2 gene. This leads to an in-frame deletion, preserving the integrity of the reading frame. This copy number variant has not been reported in the literature in individuals with a NF2-related disease. A missense variant in exon 11 (p.Thr352Met) has been reported as pathogenic in individuals with neurofibromatosis, type 2 (PMID: 8081368, 10712203). This suggests that the threonine residue at codon 352 is required for NF2 protein function. In summary, this is a novel deletion that eliminates an important amino acid residue and is predicted to be deleterious. However, in the absence of additional clinical and/or functional data, this variant has been classified as Likely Pathogenic.